The following is an entry in ClinVar:

ClinVar aggregate classification (germline): Likely pathogenic. Review status: criteria provided, multiple submitters, no conflicts (2 of 4 stars). 2 submissions from 2 submitters: Likely pathogenic (2). Last evaluated 2024-08-31.

Conditions:
Amyloidosis, hereditary systemic 1 (AMYLD1). Also called: AMYLOID CARDIOMYOPATHY; Hereditary Transthyretin Amyloidosis; Familial amyloid polyneuropathy; Transthyretin Amyloidosis; Isolated Cardiac Amyloidosis; Amyloid Cardiomyopathy, Transthyretin-related. Identifiers: Orphanet 85447, Orphanet 85451, MedGen C2751492, MONDO:0971004, OMIM 105210.

Submissions (2):

Labcorp Genetics (formerly Invitae), Labcorp
Classification: Likely pathogenic for Amyloidosis, hereditary systemic 1. Last evaluated: 2024-08-31. Review status: criteria provided, single submitter. Criteria: Invitae Variant Classification Sherloc (09022015). Collection method: clinical testing. Allele origin: germline.
Comment: This sequence change replaces glycine, which is neutral and non-polar, with glutamic acid, which is acidic and polar, at codon 87 of the TTR protein (p.Gly87Glu). This variant is not present in population databases (gnomAD no frequency). This missense change has been observed in individual(s) with clinical features of hereditary transthyretin-mediated amyloidosis (PMID: 17968690, 19180884, 22320251, 26656838). This variant is also known as Gly67Glu. Invitae Evidence Modeling of protein sequence and biophysical properties (such as structural, functional, and spatial information, amino acid conservation, physicochemical variation, residue mobility, and thermodynamic stability) indicates that this missense variant is expected to disrupt TTR protein function with a positive predictive value of 95%. This variant disrupts the p.Gly87 amino acid residue in TTR. Other variant(s) that disrupt this residue have been determined to be pathogenic (PMID: 22320251, 28802308). This suggests that this residue is clinically significant, and that variants that disrupt this residue are likely to be disease-causing. In summary, the currently available evidence indicates that the variant is pathogenic, but additional data are needed to prove that conclusively. Therefore, this variant has been classified as Likely Pathogenic.

GeneDx
Classification: Likely pathogenic. Last evaluated: 2024-03-05. Review status: criteria provided, single submitter. Criteria: GeneDx Variant Classification Process June 2021. Collection method: clinical testing. Allele origin: germline. Affected: yes.
Comment: In silico analysis supports that this missense variant has a deleterious effect on protein structure/function; Not observed at significant frequency in large population cohorts (gnomAD); Also known as p.(G67E); This variant is associated with the following publications: (PMID: 27859927, 31135236, 22320251, 17968690, 26656838)

Literature cited by the submitters: PubMed 17968690 (cited by Labcorp Genetics (formerly Invitae), Labcorp); PubMed 19180884 (cited by Labcorp Genetics (formerly Invitae), Labcorp); PubMed 22320251 (cited by Labcorp Genetics (formerly Invitae), Labcorp); PubMed 26656838 (cited by Labcorp Genetics (formerly Invitae), Labcorp); PubMed 28802308 (cited by Labcorp Genetics (formerly Invitae), Labcorp).

NM_000371.4(TTR):c.260G>A (p.Gly87Glu)

Gene: TTR (transthyretin; plus strand). Cytogenetic location: 18q12.1.
Variant type: single nucleotide variant.
Coding change: c.260G>A on transcript NM_000371.4 (MANE Select); coding-DNA position 260, G replaced by A.
Protein change: p.Gly87Glu; replaces glycine 87 with glutamic acid.
Molecular consequence: missense variant.
Genome position (GRCh38, 1-based): chr18:31,595,179, G>A. VCF-style: chr18-31595179-G-A. GRCh37 (hg19) VCF-style: chr18-29175142-G-A.
Other names: short protein forms G87E.
Identifiers: ClinVar variation 3338803 (VCV003338803.3).